The following is an entry in ClinVar:

ClinVar aggregate classification (germline): Uncertain significance. Review status: criteria provided, multiple submitters, no conflicts (2 of 4 stars). 2 submissions from 2 submitters: Uncertain significance (2). Last evaluated 2026-07-20.

Conditions:
RYR1-related disorder. Also called: RYR1-related disorders; RYR1-related condition. Identifiers: MedGen CN239331.
Inborn genetic diseases. Identifiers: MedGen C0950123, MeSH D030342.

Allele frequency attached by ClinVar (database versions not stated): gnomAD exomes below 0.00001.
gnomAD v4.1: 4 of 1,597,760 alleles (0.00025%); highest among the groups gnomAD compares: Non-Finnish European, 0.00025%; no homozygotes.

Submissions (2):

Ambry Genetics
Classification: Uncertain significance for Inborn genetic diseases. Last evaluated: 2026-07-20. Review status: criteria provided, single submitter. Criteria: Ambry Variant Classification Scheme 2023. Collection method: clinical testing. Allele origin: germline.

Labcorp Genetics (formerly Invitae), Labcorp
Classification: Uncertain significance for RYR1-related disorder. Last evaluated: 2022-03-18. Review status: criteria provided, single submitter. Criteria: Invitae Variant Classification Sherloc (09022015). Collection method: clinical testing. Allele origin: germline.
Comment: This variant has not been reported in the literature in individuals affected with RYR1-related conditions. This sequence change replaces glutamic acid, which is acidic and polar, with lysine, which is basic and polar, at codon 2344 of the RYR1 protein (p.Glu2344Lys). This variant is not present in population databases (gnomAD no frequency). ClinVar contains an entry for this variant (Variation ID: 958801). Algorithms developed to predict the effect of missense changes on protein structure and function are either unavailable or do not agree on the potential impact of this missense change (SIFT: "Deleterious"; PolyPhen-2: "Benign"; Align-GVGD: "Class C0"). In summary, the available evidence is currently insufficient to determine the role of this variant in disease. Therefore, it has been classified as a Variant of Uncertain Significance.

NM_000540.3(RYR1):c.7030G>A (p.Glu2344Lys)

Gene: RYR1 (ryanodine receptor 1; plus strand). Cytogenetic location: 19q13.2.
Variant type: single nucleotide variant.
Coding change: c.7030G>A on transcript NM_000540.3 (MANE Select); coding-DNA position 7030, G replaced by A.
Protein change: p.Glu2344Lys; replaces glutamic acid 2344 with lysine.
Molecular consequence: missense variant.
Genome position (GRCh38, 1-based): chr19:38,499,637, G>A. VCF-style: chr19-38499637-G-A. GRCh37 (hg19) VCF-style: chr19-38990277-G-A.
Other names: c.7030G>A, p.Glu2344Lys (NM_001042723.2); short protein forms E2344K.
Identifiers: ClinVar variation 958801 (VCV000958801.10), dbSNP rs1970007265, ClinGen allele CA082296.